The following is an entry in ClinVar:

NM_018136.5(ASPM):c.7582A>T (p.Ile2528Phe)

Gene: ASPM (assembly factor for spindle microtubules; minus strand). Cytogenetic location: 1q31.3.
Variant type: single nucleotide variant.
Coding change: c.7582A>T on transcript NM_018136.5 (MANE Select); coding-DNA position 7582, A replaced by T.
Protein change: p.Ile2528Phe; replaces isoleucine 2528 with phenylalanine.
Molecular consequence: missense variant. On other transcripts: intron variant (1).
Genome position (GRCh38, 1-based): chr1:197,101,669, T>A on the plus strand (A>T on the coding strand, the complement: ASPM is on the minus strand). VCF-style: chr1-197101669-T-A. GRCh37 (hg19) VCF-style: chr1-197070799-T-A.
Other names: c.4066-5505A>T (NM_001206846.2); short protein forms I2528F.
Identifiers: ClinVar variation 1921299 (VCV001921299.3), dbSNP rs924926422, ClinGen allele CA35870619.

ClinVar aggregate classification (germline): Uncertain significance (1 of 4 stars; one submission).

gnomAD v4.1: 1 of 1,612,238 alleles (0.000062%); highest among the groups gnomAD compares: Admixed American, 0.0017%; no homozygotes.

Submission:

Labcorp Genetics (formerly Invitae), Labcorp
Classification: Uncertain significance. Last evaluated: 2022-05-15. Review status: criteria provided, single submitter. Criteria: Invitae Variant Classification Sherloc (09022015). Collection method: clinical testing. Allele origin: germline.
Comment: In summary, the available evidence is currently insufficient to determine the role of this variant in disease. Therefore, it has been classified as a Variant of Uncertain Significance. This sequence change replaces isoleucine, which is neutral and non-polar, with phenylalanine, which is neutral and non-polar, at codon 2528 of the ASPM protein (p.Ile2528Phe). This variant is not present in population databases (gnomAD no frequency). This variant has not been reported in the literature in individuals affected with ASPM-related conditions. Algorithms developed to predict the effect of missense changes on protein structure and function are either unavailable or do not agree on the potential impact of this missense change (SIFT: "Deleterious"; PolyPhen-2: "Benign"; Align-GVGD: "Class C0").